The following is an entry in ClinVar:

NM_006231.4(POLE):c.3229C>G (p.Arg1077Gly)

Gene: POLE (DNA polymerase epsilon, catalytic subunit; minus strand). Cytogenetic location: 12q24.33.
Variant type: single nucleotide variant.
Coding change: c.3229C>G on transcript NM_006231.4 (MANE Select); coding-DNA position 3229, C replaced by G.
Protein change: p.Arg1077Gly; replaces arginine 1077 with glycine.
Molecular consequence: missense variant.
Genome position (GRCh38, 1-based): chr12:132,659,341, G>C on the plus strand (C>G on the coding strand, the complement: POLE is on the minus strand). VCF-style: chr12-132659341-G-C. GRCh37 (hg19) VCF-style: chr12-133235927-G-C.
Other names: short protein forms R1077G.
Identifiers: ClinVar variation 568354 (VCV000568354.7), dbSNP rs149777592, ClinGen allele CA6893336.

ClinVar aggregate classification (germline): Uncertain significance (1 of 4 stars; one submission).

Allele frequency attached by ClinVar (database versions not stated): 1000 Genomes Project 30x 0.00016.
gnomAD v4.1: 6 of 1,613,644 alleles (0.00037%); highest among the groups gnomAD compares: East Asian, 0.011%; no homozygotes.

Submission:

Labcorp Genetics (formerly Invitae), Labcorp
Classification: Uncertain significance. Last evaluated: 2025-09-16. Review status: criteria provided, single submitter. Criteria: Invitae Variant Classification Sherloc (09022015). Collection method: clinical testing. Allele origin: germline.
Comment: This sequence change replaces arginine, which is basic and polar, with glycine, which is neutral and non-polar, at codon 1077 of the POLE protein (p.Arg1077Gly). This variant is present in population databases (rs149777592, gnomAD 0.01%). This variant has not been reported in the literature in individuals affected with POLE-related conditions. ClinVar contains an entry for this variant (Variation ID: 568354). Invitae Evidence Modeling of protein sequence and biophysical properties (such as structural, functional, and spatial information, amino acid conservation, physicochemical variation, residue mobility, and thermodynamic stability) indicates that this missense variant is expected to disrupt POLE protein function with a positive predictive value of 80%. In summary, the available evidence is currently insufficient to determine the role of this variant in disease. Therefore, it has been classified as a Variant of Uncertain Significance.